The following is an entry in ClinVar:

NM_000263.4(NAGLU):c.348C>A (p.Ala116=)

Gene: NAGLU (N-acetyl-alpha-glucosaminidase; plus strand). Cytogenetic location: 17q21.2.
Variant type: single nucleotide variant.
Coding change: c.348C>A on transcript NM_000263.4 (MANE Select); coding-DNA position 348, C replaced by A.
Protein change: p.Ala116=; no amino-acid change (alanine 116 retained).
Molecular consequence: synonymous variant.
Genome position (GRCh38, 1-based): chr17:42,536,620, C>A. VCF-style: chr17-42536620-C-A. GRCh37 (hg19) VCF-style: chr17-40688638-C-A.
Identifiers: ClinVar variation 1918605 (VCV001918605.2), dbSNP rs559674042, ClinGen allele CA399596225.

ClinVar aggregate classification (germline): Uncertain significance (1 of 4 stars; one submission).

Conditions:
Mucopolysaccharidosis, MPS-III-B (MPS3B). Also called: N-ACETYL-ALPHA-D-GLUCOSAMINIDASE DEFICIENCY; NAGLU DEFICIENCY; SANFILIPPO SYNDROME B; MPS III B; Mucopolysaccharidosis type IIIB (Sanfilippo B); MPS IIIB (Sanfilippo Syndrome Type B). Identifiers: Orphanet 79270, MedGen C0086648, MONDO:0009656, OMIM 252920.
Charcot-Marie-Tooth disease axonal type 2V. Also called: CHARCOT-MARIE-TOOTH NEUROPATHY, TYPE 2V; CHARCOT-MARIE-TOOTH DISEASE, AXONAL, AUTOSOMAL DOMINANT, TYPE 2V. Identifiers: Orphanet 447964, MedGen C5569050, MONDO:0014665, OMIM 616491.

gnomAD v4.1: 5 of 1,496,290 alleles (0.00033%); highest among the groups gnomAD compares: South Asian, 0.0013%; no homozygotes.

Submission:

Labcorp Genetics (formerly Invitae), Labcorp
Classification: Uncertain significance for Charcot-Marie-Tooth disease axonal type 2V; Mucopolysaccharidosis, MPS-III-B. Last evaluated: 2022-06-09. Review status: criteria provided, single submitter. Criteria: Invitae Variant Classification Sherloc (09022015). Collection method: clinical testing. Allele origin: germline.
Comment: This sequence change replaces alanine, which is neutral and non-polar, with alanine, which is neutral and non-polar, at codon 116 of the NAGLU protein (Silent). This variant is not present in population databases (gnomAD no frequency). This variant has not been reported in the literature in individuals affected with NAGLU-related conditions. Algorithms developed to predict the effect of sequence changes on RNA splicing suggest that this variant is not likely to affect RNA splicing. In summary, the available evidence is currently insufficient to determine the role of this variant in disease. Therefore, it has been classified as a Variant of Uncertain Significance.